The following is an entry in ClinVar:

NM_018713.3(SLC30A10):c.482G>T (p.Gly161Val)

Gene: SLC30A10 (solute carrier family 30 member 10; minus strand). Cytogenetic location: 1q41.
Variant type: single nucleotide variant.
Coding change: c.482G>T on transcript NM_018713.3 (MANE Select); coding-DNA position 482, G replaced by T.
Protein change: p.Gly161Val; replaces glycine 161 with valine.
Molecular consequence: missense variant. On other transcripts: non-coding transcript variant (1), intron variant (1).
Genome position (GRCh38, 1-based): chr1:219,927,959, C>A on the plus strand (G>T on the coding strand, the complement: SLC30A10 is on the minus strand). VCF-style: chr1-219927959-C-A. GRCh37 (hg19) VCF-style: chr1-220101301-C-A.
Other names: c.452-854G>T (NM_001376929.1); short protein forms G161V.
Identifiers: ClinVar variation 876802 (VCV000876802.5), dbSNP rs1441035788, ClinGen allele CA344733539.

ClinVar aggregate classification (germline): Uncertain significance. Review status: criteria provided, multiple submitters, no conflicts (2 of 4 stars). 2 submissions from 2 submitters: Uncertain significance (2). Last evaluated 2023-05-20.

Conditions:
Hypermanganesemia with dystonia, polycythemia, and cirrhosis (HMNDYT1). Also called: Hepatic Cirrhosis, Dystonia, Polycythemia and Hypermanganesemia; Cirrhosis - dystonia - polycythemia - hypermanganesemia syndrome; Hypermanganesemia with Dystonia 1. Identifiers: Orphanet 309854, MedGen C2750442, MONDO:0013208, OMIM 613280.

Allele frequency attached by ClinVar (database versions not stated): gnomAD exomes below 0.00001; TOPMed below 0.00001; gnomAD 0.00001.
gnomAD v4.1: 4 of 1,545,928 alleles (0.00026%); highest among the groups gnomAD compares: South Asian, 0.0036%; no homozygotes.

Submissions (2):

Neuberg Centre For Genomic Medicine, NCGM
Classification: Uncertain significance for Hypermanganesemia with dystonia, polycythemia, and cirrhosis. Last evaluated: 2023-05-20. Review status: criteria provided, single submitter. Criteria: ACMG Guidelines, 2015. Collection method: clinical testing. Allele origin: germline. Inheritance: Autosomal recessive inheritance. Affected: yes.
Comment: The observed missense variant c.482G>T (p.Gly161Val) in SLC30A10 gene has not been reported previously as a pathogenic variant nor as a benign variant, to our knowledge. The p.Gly161Val variant is absent in gnomAD Exomes database. This variant has been submitted to the ClinVar database as Uncertain Significance. Multiple lines of computational evidence (SIFT - tolerated; Polyphen - benign; MutationTaster - polymorphism) predict no damaging effect on protein structure and function for this variant. The amino acid Gly at position 161 is changed to a Val changing protein sequence and it might alter its composition and physico-chemical properties. For these reasons, this variant has been classified as a Variant of Uncertain Significance (VUS). In the absence of another reportable variant in the SLC30A10 gene, the molecular diagnosis is not confirmed.

Illumina Laboratory Services, Illumina
Classification: Uncertain significance for Hypermanganesemia with dystonia, polycythemia, and cirrhosis. Last evaluated: 2018-01-13. Review status: criteria provided, single submitter. Criteria: ICSL Variant Classification Criteria 13 December 2019. Collection method: clinical testing. Allele origin: germline.